The following is an entry in ClinVar:

ClinVar aggregate classification (germline): Uncertain significance (1 of 4 stars; one submission).

Conditions:
Hypertrophic cardiomyopathy 14. Identifiers: MedGen C2750467, MONDO:0013197, OMIM 613251.

gnomAD v4.1: 6 of 1,614,062 alleles (0.00037%); highest among the groups gnomAD compares: East Asian, 0.0045%; no homozygotes.

Submission:

Labcorp Genetics (formerly Invitae), Labcorp
Classification: Uncertain significance for Hypertrophic cardiomyopathy 14. Last evaluated: 2024-11-04. Review status: criteria provided, single submitter. Criteria: Invitae Variant Classification Sherloc (09022015). Collection method: clinical testing. Allele origin: germline.
Comment: This sequence change creates a premature translational stop signal (p.Tyr554*) in the MYH6 gene. It is expected to result in an absent or disrupted protein product. However, the current clinical and genetic evidence is not sufficient to establish whether loss-of-function variants in MYH6 cause disease. This variant is present in population databases (rs374114140, gnomAD 0.01%). This variant has not been reported in the literature in individuals affected with MYH6-related conditions. In summary, the available evidence is currently insufficient to determine the role of this variant in disease. Therefore, it has been classified as a Variant of Uncertain Significance.

NM_002471.4(MYH6):c.1662C>A (p.Tyr554Ter)

Gene: MYH6 (myosin heavy chain 6; minus strand). Cytogenetic location: 14q11.2.
Variant type: single nucleotide variant.
Coding change: c.1662C>A on transcript NM_002471.4 (MANE Select); coding-DNA position 1662, C replaced by A.
Protein change: p.Tyr554Ter; replaces tyrosine 554 with a stop codon.
Molecular consequence: nonsense.
Genome position (GRCh38, 1-based): chr14:23,398,957, G>T on the plus strand (C>A on the coding strand, the complement: MYH6 is on the minus strand). VCF-style: chr14-23398957-G-T. GRCh37 (hg19) VCF-style: chr14-23868166-G-T.
Other names: short protein forms Y554*.
Identifiers: ClinVar variation 3703605 (VCV003703605.2).
Genomic context (GRCh38, chr14:23,398,957, plus strand): 5'-CTGCTTCCCCTTGATGTTGCGTGGCTTCTGGAAATTGTTGGACTTGCCCAGGTGGTTGTC[G>T]TACAGCTTGGCCTTGAAGGTCATGTCAGTGGCCTTGGGGAACATGCACTCCTCCTCCAGG-3'